The following is an entry in ClinVar:

ClinVar aggregate classification (germline): Uncertain significance (1 of 4 stars; one submission).

Submission:

CeGaT Center for Human Genetics Tuebingen
Classification: Uncertain significance. Last evaluated: 2026-08-01. Review status: criteria provided, single submitter. Criteria: CeGaT Center For Human Genetics Tuebingen Variant Classification Criteria Version 2. Collection method: clinical testing. Allele origin: germline. Affected: yes. Observed: 1 variant allele.
Comment: DHX37: PM2

NM_032656.4(DHX37):c.2173T>C (p.Phe725Leu)

Gene: DHX37 (DEAH-box helicase 37; minus strand). Cytogenetic location: 12q24.31.
Variant type: single nucleotide variant.
Coding change: c.2173T>C on transcript NM_032656.4 (MANE Select); coding-DNA position 2173, T replaced by C.
Protein change: p.Phe725Leu; replaces phenylalanine 725 with leucine.
Molecular consequence: missense variant.
Genome position (GRCh38, 1-based): chr12:124,957,120, A>G on the plus strand (T>C on the coding strand, the complement: DHX37 is on the minus strand). VCF-style: chr12-124957120-A-G. GRCh37 (hg19) VCF-style: chr12-125441666-A-G.
Other names: short protein forms F725L.
Identifiers: ClinVar variation 5039420 (VCV005039420.1).
Genomic context (GRCh38, chr12:124,957,120, plus strand): 5'-CCAGTGCGATCAACAGCTCCTCGGCGGCAAGAAGGGCTTCCACGGAGGGGGGCGTCGGGA[A>G]GGGGAAGTTGATGACCTGGGACACAAGGAGACGTGGCAGGGACAGGGTGAATGCCAAGAA-3'
Protein context (NP_116045.2, residues 715-735): LNVEKVINFP[Phe725Leu]PTPPSVEALL